The following is an entry in ClinVar:

NM_203447.4(DOCK8):c.4073G>C (p.Arg1358Thr)

Gene: DOCK8 (dedicator of cytokinesis 8; plus strand). Cytogenetic location: 9p24.3.
Variant type: single nucleotide variant.
Coding change: c.4073G>C on transcript NM_203447.4 (MANE Select); coding-DNA position 4073, G replaced by C.
Protein change: p.Arg1358Thr; replaces arginine 1358 with threonine.
Molecular consequence: missense variant.
Genome position (GRCh38, 1-based): chr9:420,998, G>C. VCF-style: chr9-420998-G-C. GRCh37 (hg19) VCF-style: chr9-420998-G-C.
Other names: c.3773G>C, p.Arg1258Thr (NM_001190458.2); c.3869G>C, p.Arg1290Thr (NM_001193536.2); short protein forms R1290T, R1258T, R1358T.
Identifiers: ClinVar variation 2127031 (VCV002127031.4), dbSNP rs2056252853, ClinGen allele CA372764374.

ClinVar aggregate classification (germline): Uncertain significance (1 of 4 stars; one submission).

Conditions:
Combined immunodeficiency due to DOCK8 deficiency (HIES2). Also called: HIES autosomal recessive; HYPER-IgE RECURRENT INFECTION SYNDROME 2, AUTOSOMAL RECESSIVE; DOCK8 Deficiency; Hyper-IgE recurrent infection syndrome, autosomal recessive; HYPER-IgE SYNDROME 2, AUTOSOMAL RECESSIVE, WITH RECURRENT INFECTIONS. Identifiers: Orphanet 217390, MedGen C4722305, MONDO:0009478, OMIM 243700.

Submission:

Labcorp Genetics (formerly Invitae), Labcorp
Classification: Uncertain significance for Combined immunodeficiency due to DOCK8 deficiency. Last evaluated: 2022-04-20. Review status: criteria provided, single submitter. Criteria: Invitae Variant Classification Sherloc (09022015). Collection method: clinical testing. Allele origin: germline.
Comment: In summary, the available evidence is currently insufficient to determine the role of this variant in disease. Therefore, it has been classified as a Variant of Uncertain Significance. Algorithms developed to predict the effect of missense changes on protein structure and function (SIFT, PolyPhen-2, Align-GVGD) all suggest that this variant is likely to be tolerated. This variant has not been reported in the literature in individuals affected with DOCK8-related conditions. This variant is not present in population databases (gnomAD no frequency). This sequence change replaces arginine, which is basic and polar, with threonine, which is neutral and polar, at codon 1358 of the DOCK8 protein (p.Arg1358Thr).